The following is an entry in ClinVar:

NM_001376.5(DYNC1H1):c.7003C>A (p.Leu2335Ile)

Gene: DYNC1H1 (dynein cytoplasmic 1 heavy chain 1; plus strand). Cytogenetic location: 14q32.31.
Variant type: single nucleotide variant.
Coding change: c.7003C>A on transcript NM_001376.5 (MANE Select); coding-DNA position 7003, C replaced by A.
Protein change: p.Leu2335Ile; replaces leucine 2335 with isoleucine.
Molecular consequence: missense variant.
Genome position (GRCh38, 1-based): chr14:102,012,459, C>A. VCF-style: chr14-102012459-C-A. GRCh37 (hg19) VCF-style: chr14-102478796-C-A.
Other names: short protein forms L2335I.
Identifiers: ClinVar variation 2794767 (VCV002794767.3), dbSNP rs2503757983, ClinGen allele CA391059282.

ClinVar aggregate classification (germline): Uncertain significance (1 of 4 stars; one submission).

Conditions:
Charcot-Marie-Tooth disease axonal type 2O. Also called: CHARCOT-MARIE-TOOTH NEUROPATHY, AXONAL, TYPE 2O; CHARCOT-MARIE-TOOTH DISEASE, AXONAL, AUTOSOMAL DOMINANT, TYPE 2O; Charcot-Marie-Tooth Neuropathy Type 2O; Charcot-Marie-Tooth disease, axonal, type 20. Identifiers: Orphanet 284232, MedGen C3280220, MONDO:0013644, OMIM 614228.

Allele frequency attached by ClinVar (database versions not stated): gnomAD exomes below 0.00001.
gnomAD v4.1: 1 of 1,614,186 alleles (0.000062%); highest among the groups gnomAD compares: Non-Finnish European, 0.000085%; no homozygotes.

Submission:

Labcorp Genetics (formerly Invitae), Labcorp
Classification: Uncertain significance for Charcot-Marie-Tooth disease axonal type 2O. Last evaluated: 2023-02-16. Review status: criteria provided, single submitter. Criteria: Invitae Variant Classification Sherloc (09022015). Collection method: clinical testing. Allele origin: germline.
Comment: Advanced modeling of protein sequence and biophysical properties (such as structural, functional, and spatial information, amino acid conservation, physicochemical variation, residue mobility, and thermodynamic stability) has been performed at Invitae for this missense variant, however the output from this modeling did not meet the statistical confidence thresholds required to predict the impact of this variant on DYNC1H1 protein function. In summary, the available evidence is currently insufficient to determine the role of this variant in disease. Therefore, it has been classified as a Variant of Uncertain Significance. This sequence change replaces leucine, which is neutral and non-polar, with isoleucine, which is neutral and non-polar, at codon 2335 of the DYNC1H1 protein (p.Leu2335Ile). This variant is not present in population databases (gnomAD no frequency). This variant has not been reported in the literature in individuals affected with DYNC1H1-related conditions.